The following is an entry in ClinVar:

ClinVar aggregate classification (germline): Uncertain significance (1 of 4 stars; one submission).

Conditions:
Developmental and epileptic encephalopathy, 23 (DEE23). Also called: Epileptic encephalopathy, early infantile, 23. Identifiers: Orphanet 411986, MedGen C4014492, MONDO:0014371, OMIM 615859.

Allele frequency attached by ClinVar (database versions not stated): TOPMed 0.00002.
gnomAD v4.1: 7 of 1,611,470 alleles (0.00043%); highest among the groups gnomAD compares: African/African-American, 0.004%; no homozygotes.

Submission:

Labcorp Genetics (formerly Invitae), Labcorp
Classification: Uncertain significance for Developmental and epileptic encephalopathy, 23. Last evaluated: 2019-04-09. Review status: criteria provided, single submitter. Criteria: Invitae Variant Classification Sherloc (09022015). Collection method: clinical testing. Allele origin: germline.
Comment: Algorithms developed to predict the effect of missense changes on protein structure and function are either unavailable or do not agree on the potential impact of this missense change (SIFT: "Deleterious"; PolyPhen-2: "Benign"; Align-GVGD: "Class C0"). This variant has not been reported in the literature in individuals with DOCK7-related conditions. This variant is present in population databases (rs781276473, ExAC 0.006%). This sequence change replaces arginine with glutamine at codon 916 of the DOCK7 protein (p.Arg916Gln). The arginine residue is moderately conserved and there is a small physicochemical difference between arginine and glutamine. In summary, the available evidence is currently insufficient to determine the role of this variant in disease. Therefore, it has been classified as a Variant of Uncertain Significance.

NM_001367561.1(DOCK7):c.2747G>A (p.Arg916Gln)

Gene: DOCK7 (dedicator of cytokinesis 7; minus strand). Cytogenetic location: 1p31.3.
Variant type: single nucleotide variant.
Coding change: c.2747G>A on transcript NM_001367561.1 (MANE Select); coding-DNA position 2747, G replaced by A.
Protein change: p.Arg916Gln; replaces arginine 916 with glutamine.
Molecular consequence: missense variant.
Genome position (GRCh38, 1-based): chr1:62,552,751, C>T on the plus strand (G>A on the coding strand, the complement: DOCK7 is on the minus strand). VCF-style: chr1-62552751-C-T. GRCh37 (hg19) VCF-style: chr1-63018422-C-T.
Other names: c.2747G>A, p.Arg916Gln (NM_001271999.2, NM_001272000.2, NM_001272001.2 and 2 more transcripts); short protein forms R916Q.
Identifiers: ClinVar variation 834176 (VCV000834176.8), dbSNP rs781276473, ClinGen allele CA886186.